The following is an entry in ClinVar:

NM_003001.5(SDHC):c.121T>C (p.Phe41Leu)

Gene: SDHC (succinate dehydrogenase complex subunit C; plus strand). Cytogenetic location: 1q23.3.
Variant type: single nucleotide variant.
Coding change: c.121T>C on transcript NM_003001.5 (MANE Select); coding-DNA position 121, T replaced by C.
Protein change: p.Phe41Leu; replaces phenylalanine 41 with leucine.
Molecular consequence: missense variant. On other transcripts: non-coding transcript variant (1), intron variant (4).
Genome position (GRCh38, 1-based): chr1:161,328,439, T>C. VCF-style: chr1-161328439-T-C. GRCh37 (hg19) VCF-style: chr1-161298229-T-C.
Other names: c.121T>C, p.Phe41Leu (NM_001035511.3, NM_001407115.1); c.64T>C, p.Phe22Leu (NM_001407116.1, NM_001407117.1, NM_001407121.1); c.10T>C, p.Phe4Leu (NM_001407119.1, NM_001407120.1); c.77+4769T>C (NM_001035512.3, NM_001278172.3, NM_001407118.1); c.21-12155T>C (NM_001035513.3); short protein forms F41L, F4L, F22L.
Identifiers: ClinVar variation 1462935 (VCV001462935.9), dbSNP rs2102307780, ClinGen allele CA343361055.
Genomic context (GRCh38, chr1:161,328,439, plus strand): 5'-GTCTGGTTTTATTTTAGTGCTGTTCCTTTGGGAACCACGGCCAAAGAAGAGATGGAGCGG[T>C]TCTGGAATAAGAATATAGGTTCAAACCGTCCTCTGTCTCCCCACATTACTATCTACAGGT-3'
Protein context (NP_002992.1, residues 31-51): GTTAKEEMER[Phe41Leu]WNKNIGSNRP

ClinVar aggregate classification (germline): Uncertain significance (1 of 4 stars; one submission).

Conditions:
Gastrointestinal stromal tumor. Also called: Gastrointestinal stroma tumor; Gastrointestinal stromal tumor, somatic. Identifiers: Orphanet 44890, MedGen C0238198, MeSH D046152, MONDO:0011719, OMIM 606764, HP:0100723.
Pheochromocytoma/paraganglioma syndrome 3. Also called: GLOMUS TUMORS, FAMILIAL, 3; SDHC-Related Hereditary Paraganglioma-Pheochromocytoma Syndrome; Paragangliomas 3; SDHC-Related Hereditary Paraganglioma-Pheochromocytoma Syndrome (Paragangliomas 3). Identifiers: Orphanet 29072, MedGen C1854336, MONDO:0011544, OMIM 605373.

Submission:

Labcorp Genetics (formerly Invitae), Labcorp
Classification: Uncertain significance for Pheochromocytoma/paraganglioma syndrome 3; Gastrointestinal stromal tumor. Last evaluated: 2021-05-03. Review status: criteria provided, single submitter. Criteria: Invitae Variant Classification Sherloc (09022015). Collection method: clinical testing. Allele origin: germline.
Comment: This sequence change replaces phenylalanine with leucine at codon 41 of the SDHC protein (p.Phe41Leu). The phenylalanine residue is highly conserved and there is a small physicochemical difference between phenylalanine and leucine. In summary, the available evidence is currently insufficient to determine the role of this variant in disease. Therefore, it has been classified as a Variant of Uncertain Significance. Algorithms developed to predict the effect of missense changes on protein structure and function are either unavailable or do not agree on the potential impact of this missense change (SIFT: "Deleterious"; PolyPhen-2: "Possibly Damaging"; Align-GVGD: "Class C0"). This variant has not been reported in the literature in individuals with SDHC-related conditions. This variant is not present in population databases (ExAC no frequency).